The following is an entry in ClinVar:

ClinVar aggregate classification (germline): Benign/Likely benign. Review status: criteria provided, multiple submitters, no conflicts (2 of 4 stars). 8 submissions from 8 submitters: Benign (3); Likely benign (4). 1 of the submissions does not count toward it. Last evaluated 2026-01-25.

Conditions:
MED12-Related Disorders. Also called: MED12-related condition; MED12-related disorder. Identifiers: MedGen CN381102.
FG syndrome (FGS). Identifiers: MedGen C0220769, MONDO:0002010.
Familial thoracic aortic aneurysm and aortic dissection (TAAD). Also called: Thoracic aortic aneurysms and dissections. Identifiers: Orphanet 91387, MedGen C4707243, MONDO:0019625.

Submissions (8):

Labcorp Genetics (formerly Invitae), Labcorp
Classification: Benign for FG syndrome. Last evaluated: 2026-01-25. Review status: criteria provided, single submitter. Criteria: Invitae Variant Classification Sherloc (09022015). Collection method: clinical testing. Allele origin: germline.

Blueprint Genetics
Classification: Likely benign. Last evaluated: 2024-10-24. Review status: criteria provided, single submitter. Criteria: ACMG Guidelines, 2015. Collection method: clinical testing. Allele origin: germline.

CeGaT Center for Human Genetics Tuebingen
Classification: Likely benign. Last evaluated: 2023-12-01. Review status: criteria provided, single submitter. Criteria: CeGaT Center For Human Genetics Tuebingen Variant Classification Criteria Version 2. Collection method: clinical testing. Allele origin: germline. Affected: yes. Observed: 2 variant alleles.
Comment: MED12: BS2

GeneDx
Classification: Likely benign. Last evaluated: 2022-10-24. Review status: criteria provided, single submitter. Criteria: GeneDx Variant Classification Process June 2021. Collection method: clinical testing. Allele origin: germline. Affected: yes.
Comment: See Variant Classification Assertion Criteria.

Ambry Genetics
Classification: Benign for Familial thoracic aortic aneurysm and aortic dissection. Last evaluated: 2017-05-31. Review status: criteria provided, single submitter. Criteria: Ambry Variant Classification Scheme 2023. Collection method: clinical testing. Allele origin: germline.

Genetic Services Laboratory, University of Chicago
Classification: Likely benign. Last evaluated: 2014-06-05. Review status: criteria provided, single submitter. Criteria: ACMG Guidelines, 2015. Collection method: clinical testing. Allele origin: germline.

Eurofins Ntd Llc (ga)
Classification: Benign. Last evaluated: 2014-04-18. Review status: criteria provided, single submitter. Criteria: EGL Classification Definitions. Collection method: clinical testing. Allele origin: germline. Observed: 1 variant allele, 1 hemizygote.

PreventionGenetics, part of Exact Sciences
Classification: Likely benign for MED12-related condition. Last evaluated: 2022-01-18. Review status: no assertion criteria provided. Collection method: clinical testing. Allele origin: germline. Not counted in ClinVar's aggregate classification.
Comment: This variant is classified as likely benign based on ACMG/AMP sequence variant interpretation guidelines (Richards et al. 2015 PMID: 25741868, with internal and published modifications).

NM_005120.3(MED12):c.6208CAG[8] (p.Gln2076dup)

Gene: MED12 (mediator complex subunit 12; plus strand). Cytogenetic location: Xq13.1.
Variant type: Microsatellite.
Coding change: c.6208CAG[8] on transcript NM_005120.3 (MANE Select); eight copies in a row of the 3-base unit CAG starting at c.6208; the reference has seven copies in a row; one copy, 3 bases duplicated.
Protein change: p.Gln2076dup; duplicates glutamine 2076.
Molecular consequence: inframe insertion.
Genome position (GRCh38, 1-based): chrX:71,140,816-71,140,818, CAG duplicated; duplicating any 3 consecutive bases within chrX:71,140,798-71,140,818 gives the same sequence; the position shown is the placement nearest the transcript's 3' end. VCF-style (leftmost placement, unchanged base first): chrX-71140797-A-ACAG. GRCh37 (hg19) VCF-style: chrX-70360647-A-ACAG.
Identifiers: ClinVar variation 166875 (VCV000166875.68), dbSNP rs757160341, ClinGen allele CA179880.